The following is an entry in ClinVar:

NM_177438.3(DICER1):c.4317_4322del (p.Glu1439_Asp1440del)

Gene: DICER1 (dicer 1, ribonuclease III; minus strand). Cytogenetic location: 14q32.13.
Variant type: Deletion.
Coding change: c.4317_4322del on transcript NM_177438.3 (MANE Select); coding-DNA positions 4317 to 4322, 6 bases deleted (AGATGA; older notation c.4317_4322delAGATGA).
Protein change: p.Glu1439_Asp1440del.
Molecular consequence: non-coding transcript variant (on NR_172715.1).
Genome position (GRCh38, 1-based): chr14:95,096,598-95,096,603, TCATCT deleted on the plus strand (AGATGA on the coding strand, the reverse complement: DICER1 is on the minus strand); deleting any 6 consecutive bases within chr14:95,096,598-95,096,607 gives the same sequence; the c. name uses the placement nearest the transcript's 3' end. VCF-style (leftmost placement, unchanged base first): chr14-95096597-ATCATCT-A. GRCh37 (hg19) VCF-style: chr14-95562934-ATCATCT-A.
Other names: c.4317_4322del, p.Glu1439_Asp1440del (NM_001195573.1, NM_001271282.3, NM_001291628.2 and 12 more transcripts); c.4035_4040del, p.Glu1345_Asp1346del (NM_001395686.1); c.3912_3917del, p.Glu1304_Asp1305del (NM_001395687.1, NM_001395688.1, NM_001395689.1 and 2 more transcripts); c.3750_3755del, p.Glu1250_Asp1251del (NM_001395691.1); c.2634_2639del, p.Glu878_Asp879del (NM_001395697.1).
Identifiers: ClinVar variation 3724946 (VCV003724946.2).

ClinVar aggregate classification (germline): Uncertain significance (1 of 4 stars; one submission).

Conditions:
DICER1-related tumor predisposition. Also called: DICER1-related pleuropulmonary blastoma cancer predisposition syndrome; DICER1 syndrome. Identifiers: Orphanet 284343, MedGen C3839822, MONDO:0100216.

Submission:

Labcorp Genetics (formerly Invitae), Labcorp
Classification: Uncertain significance for DICER1-related tumor predisposition. Last evaluated: 2024-11-10. Review status: criteria provided, single submitter. Criteria: Invitae Variant Classification Sherloc (09022015). Collection method: clinical testing. Allele origin: germline.
Comment: This variant, c.4317_4322del, results in the deletion of 2 amino acid(s) of the DICER1 protein (p.Glu1439_Asp1440del), but otherwise preserves the integrity of the reading frame. This variant is not present in population databases (gnomAD no frequency). This variant has not been reported in the literature in individuals affected with DICER1-related conditions. Experimental studies and prediction algorithms are not available or were not evaluated, and the functional significance of this variant is currently unknown. In summary, the available evidence is currently insufficient to determine the role of this variant in disease. Therefore, it has been classified as a Variant of Uncertain Significance.